The following is an entry in ClinVar:

ClinVar aggregate classification (germline): Uncertain significance (1 of 4 stars; one submission).

Conditions:
Peters plus syndrome. Also called: KRAUSE-KIVLIN SYNDROME. Identifiers: Orphanet 709, MedGen C0796012, MONDO:0009856, OMIM 261540.

Allele frequency attached by ClinVar (database versions not stated): gnomAD exomes below 0.00001; TOPMed below 0.00001.
gnomAD v4.1: 5 of 1,614,208 alleles (0.00031%); highest among the groups gnomAD compares: Middle Eastern, 0.033%; 1 homozygote.

Submission:

Labcorp Genetics (formerly Invitae), Labcorp
Classification: Uncertain significance for Peters plus syndrome. Last evaluated: 2022-08-16. Review status: criteria provided, single submitter. Criteria: Invitae Variant Classification Sherloc (09022015). Collection method: clinical testing. Allele origin: germline.
Comment: In summary, the available evidence is currently insufficient to determine the role of this variant in disease. Therefore, it has been classified as a Variant of Uncertain Significance. Algorithms developed to predict the effect of missense changes on protein structure and function are either unavailable or do not agree on the potential impact of this missense change (SIFT: "Deleterious"; PolyPhen-2: "Benign"; Align-GVGD: "Class C0"). ClinVar contains an entry for this variant (Variation ID: 862801). This variant has not been reported in the literature in individuals affected with B3GLCT-related conditions. This variant is present in population databases (no rsID available, gnomAD 0.0009%). This sequence change replaces serine, which is neutral and polar, with tyrosine, which is neutral and polar, at codon 255 of the B3GLCT protein (p.Ser255Tyr).

NM_194318.4(B3GLCT):c.764C>A (p.Ser255Tyr)

Gene: B3GLCT (beta 3-glucosyltransferase; plus strand). Cytogenetic location: 13q12.3.
Variant type: single nucleotide variant.
Coding change: c.764C>A on transcript NM_194318.4 (MANE Select); coding-DNA position 764, C replaced by A.
Protein change: p.Ser255Tyr; replaces serine 255 with tyrosine.
Molecular consequence: missense variant.
Genome position (GRCh38, 1-based): chr13:31,274,612, C>A. VCF-style: chr13-31274612-C-A. GRCh37 (hg19) VCF-style: chr13-31848749-C-A.
Other names: short protein forms S255Y.
Identifiers: ClinVar variation 862801 (VCV000862801.10), dbSNP rs1182400359, ClinGen allele CA387722349.
Genomic context (GRCh38, chr13:31,274,612, plus strand): 5'-CCCCAGTGCCTGAGTTTTGTACCAATGACGTGGACTTCTACTGTGCTACCACATTCCATT[C>A]TTTTCTACCGCTTTGTGTGAGTAACAGAAGAAAAACTTCTTTGCATATCAAAGGAAAAAT-3'
Protein context (NP_919299.3, residues 245-265): VDFYCATTFH[Ser255Tyr]FLPLCRKPVK